The following is an entry in ClinVar:

NM_001372.4(DNAH9):c.9572C>T (p.Ala3191Val)

Gene: DNAH9 (dynein axonemal heavy chain 9; plus strand). Cytogenetic location: 17p12.
Variant type: single nucleotide variant.
Coding change: c.9572C>T on transcript NM_001372.4 (MANE Select); coding-DNA position 9572, C replaced by T.
Protein change: p.Ala3191Val; replaces alanine 3191 with valine.
Molecular consequence: missense variant.
Genome position (GRCh38, 1-based): chr17:11,854,067, C>T. VCF-style: chr17-11854067-C-T. GRCh37 (hg19) VCF-style: chr17-11757384-C-T.
Other names: c.9572C>T (NM_001372.3); short protein forms A3191V.
Identifiers: ClinVar variation 2647490 (VCV002647490.27), dbSNP rs1011796626, ClinGen allele CA287988405.

ClinVar aggregate classification (germline): Uncertain significance. Review status: criteria provided, multiple submitters, no conflicts (2 of 4 stars). 3 submissions from 3 submitters: Uncertain significance (3). Last evaluated 2025-02-15.

Conditions:
Inborn genetic diseases. Identifiers: MedGen C0950123, MeSH D030342.

Allele frequency attached by ClinVar (database versions not stated): gnomAD exomes 0.00001; TOPMed 0.00001.
gnomAD v4.1: 9 of 1,614,148 alleles (0.00056%); highest among the groups gnomAD compares: Non-Finnish European, 0.00076%; no homozygotes.

Submissions (3):

Ambry Genetics
Classification: Uncertain significance for Inborn genetic diseases. Last evaluated: 2025-02-15. Review status: criteria provided, single submitter. Criteria: Ambry Variant Classification Scheme 2023. Collection method: clinical testing. Allele origin: germline.

Labcorp Genetics (formerly Invitae), Labcorp
Classification: Uncertain significance. Last evaluated: 2024-01-29. Review status: criteria provided, single submitter. Criteria: Invitae Variant Classification Sherloc (09022015). Collection method: clinical testing. Allele origin: germline.
Comment: This sequence change replaces alanine, which is neutral and non-polar, with valine, which is neutral and non-polar, at codon 3191 of the DNAH9 protein (p.Ala3191Val). This variant is not present in population databases (gnomAD no frequency). This variant has not been reported in the literature in individuals affected with DNAH9-related conditions. ClinVar contains an entry for this variant (Variation ID: 2647490). Advanced modeling of protein sequence and biophysical properties (such as structural, functional, and spatial information, amino acid conservation, physicochemical variation, residue mobility, and thermodynamic stability) performed at Invitae indicates that this missense variant is not expected to disrupt DNAH9 protein function with a negative predictive value of 80%. In summary, the available evidence is currently insufficient to determine the role of this variant in disease. Therefore, it has been classified as a Variant of Uncertain Significance.

CeGaT Center for Human Genetics Tuebingen
Classification: Uncertain significance. Last evaluated: 2023-07-01. Review status: criteria provided, single submitter. Criteria: CeGaT Center For Human Genetics Tuebingen Variant Classification Criteria Version 2. Collection method: clinical testing. Allele origin: germline. Affected: yes. Observed: 1 variant allele.
Comment: DNAH9: PM2